The following is an entry in ClinVar:

NM_004795.4(KL):c.1987G>T (p.Ala663Ser)

Gene: KL (klotho; plus strand). Cytogenetic location: 13q13.1.
Variant type: single nucleotide variant.
Coding change: c.1987G>T on transcript NM_004795.4 (MANE Select); coding-DNA position 1987, G replaced by T.
Protein change: p.Ala663Ser; replaces alanine 663 with serine.
Molecular consequence: missense variant.
Genome position (GRCh38, 1-based): chr13:33,061,066, G>T. VCF-style: chr13-33061066-G-T. GRCh37 (hg19) VCF-style: chr13-33635203-G-T.
Other names: short protein forms A663S.
Identifiers: ClinVar variation 3679126 (VCV003679126.2).

ClinVar aggregate classification (germline): Uncertain significance (1 of 4 stars; one submission).

gnomAD v4.1: 12 of 1,612,982 alleles (0.00074%); highest among the groups gnomAD compares: Non-Finnish European, 0.001%; no homozygotes.

Submission:

Labcorp Genetics (formerly Invitae), Labcorp
Classification: Uncertain significance. Last evaluated: 2024-08-06. Review status: criteria provided, single submitter. Criteria: Invitae Variant Classification Sherloc (09022015). Collection method: clinical testing. Allele origin: germline.
Comment: This sequence change replaces alanine, which is neutral and non-polar, with serine, which is neutral and polar, at codon 663 of the KL protein (p.Ala663Ser). This variant is not present in population databases (gnomAD no frequency). This variant has not been reported in the literature in individuals affected with KL-related conditions. Advanced modeling of protein sequence and biophysical properties (such as structural, functional, and spatial information, amino acid conservation, physicochemical variation, residue mobility, and thermodynamic stability) performed at Invitae indicates that this missense variant is not expected to disrupt KL protein function with a negative predictive value of 80%. In summary, the available evidence is currently insufficient to determine the role of this variant in disease. Therefore, it has been classified as a Variant of Uncertain Significance.